The following is an entry in ClinVar:

NM_000138.5(FBN1):c.8052-12C>A

Gene: FBN1 (fibrillin 1; minus strand). Cytogenetic location: 15q21.1.
Variant type: single nucleotide variant.
Coding change: c.8052-12C>A on transcript NM_000138.5 (MANE Select); 12 bases into the intron before coding-DNA position 8052, C replaced by A.
Molecular consequence: intron variant.
Genome position (GRCh38, 1-based): chr15:48,412,755, G>T on the plus strand (C>A on the coding strand, the complement: FBN1 is on the minus strand). VCF-style: chr15-48412755-G-T. GRCh37 (hg19) VCF-style: chr15-48704952-G-T.
Other names: c.8052-12C>A (NM_001406716.1).
Identifiers: ClinVar variation 3072353 (VCV003072353.2), dbSNP rs376846065, ClinGen allele CA059535.

ClinVar aggregate classification (germline): Conflicting classifications of pathogenicity. Review status: criteria provided, conflicting classifications (1 of 4 stars). 2 submissions from 2 submitters: Uncertain significance (1); Likely benign (1). Last evaluated 2025-12-22.

Conditions:
Marfan syndrome (MFS). Also called: MARFAN SYNDROME, TYPE I; Marfan syndrome type 1; Marfan's syndrome; Marfan syndrome, classic; FBN1-Related Marfan Syndrome. Identifiers: Orphanet 284963, Orphanet 558, MedGen C0024796, MONDO:0007947, OMIM 154700.
Familial thoracic aortic aneurysm and aortic dissection (TAAD). Also called: Thoracic aortic aneurysms and dissections. Identifiers: Orphanet 91387, MedGen C4707243, MONDO:0019625.

Allele frequency attached by ClinVar (database versions not stated): TOPMed 0.00002; ESP Exome Variant Server 0.00008; ExAC 0.00001; gnomAD 0.00004.

Submissions (2):

Labcorp Genetics (formerly Invitae), Labcorp
Classification: Likely benign for Marfan syndrome; Familial thoracic aortic aneurysm and aortic dissection. Last evaluated: 2025-12-22. Review status: criteria provided, single submitter. Criteria: Invitae Variant Classification Sherloc (09022015). Collection method: clinical testing. Allele origin: germline.

All of Us Research Program, National Institutes of Health
Classification: Uncertain significance for Marfan syndrome. Last evaluated: 2023-10-23. Review status: criteria provided, single submitter. Criteria: ACMG Guidelines, 2015. Collection method: clinical testing. Allele origin: germline. Inheritance: Autosomal dominant inheritance. Observed: 2 variant alleles, 2 heterozygotes.
Comment: This variant causes a C to A nucleotide substitution at the -12 position of intron 64 of the FBN1 gene. To our knowledge, functional studies have not been reported for this variant. This variant has not been reported in individuals affected with FBN1-related disorders in the literature. This variant has been identified in 4/282468 chromosomes in the general population by the Genome Aggregation Database (gnomAD). The available evidence is insufficient to determine the role of this variant in disease conclusively. Therefore, this variant is classified as a Variant of Uncertain Significance.

This study involves interpretation of variants in research participants for the purpose of population health screening. Participant phenotype was not available at the time of variant classification. Additional details can be found in publication PMID: 35346344, PMCID: PMC8962531